The following is an entry in ClinVar:

ClinVar aggregate classification (germline): Conflicting classifications of pathogenicity. Review status: criteria provided, conflicting classifications (1 of 4 stars). 2 submissions from 2 submitters: Likely pathogenic (1); Uncertain significance (1). Last evaluated 2023-02-23.

Conditions:
Long QT syndrome (LQTS). Identifiers: MedGen C0023976, MeSH D008133, MONDO:0002442. Disease mechanism: loss of function. Inheritance: Various modes of inheritance.
Cardiovascular phenotype. Identifiers: MedGen CN230736.

Submissions (2):

Ambry Genetics
Classification: Uncertain significance for Cardiovascular phenotype. Last evaluated: 2023-02-23. Review status: criteria provided, single submitter. Criteria: Ambry Variant Classification Scheme 2023. Collection method: clinical testing. Allele origin: germline.
Comment: The p.W3622* variant (also known as c.10865G>A), located in coding exon 44 of the AKAP9 gene, results from a G to A substitution at nucleotide position 10865. This changes the amino acid from a tryptophan to a stop codon within coding exon 44. This alteration is expected to result in protein truncation or nonsense-mediated mRNA decay. However, loss of function of AKAP9 has not been established as a mechanism of disease. The evidence for this gene-disease relationship is limited; therefore, the clinical significance of this alteration is unclear.

GeneID Lab - Advanced Molecular Diagnostics
Classification: Likely pathogenic for Long QT syndrome. Last evaluated: 2018-03-10. Review status: criteria provided, single submitter. Criteria: ACMG Guidelines, 2015. Collection method: clinical testing. Allele origin: germline. Affected: no. Observed: 1 variant allele.
Comment: This variant produces a premature stop signal at position 3622 of the AKAP9 protein, written as p.Trp3622Ter or p.W3622*. The substitution is predicted to result in a non-functional AKAP9 protein, either through protein truncation or nonsense-mediated mRNA decay. This mutation is considered a non-tolerated amino acid change based on in silico prediction algorithms (disease causing), and it has not been reported in the ClinVar Database (NCBI National Library of Medicine, NIH, Bethesda MD), or in population databases such as ExAC or 1000 genomes. Based on these findings and the limited literature regarding this substitution we consider it a likely pathogenic variant.

NM_005751.5(AKAP9):c.10865G>A (p.Trp3622Ter)

Gene: AKAP9 (A-kinase anchoring protein 9; plus strand). Cytogenetic location: 7q21.2.
Variant type: single nucleotide variant.
Coding change: c.10865G>A on transcript NM_005751.5 (MANE Select); coding-DNA position 10865, G replaced by A.
Protein change: p.Trp3622Ter; replaces tryptophan 3622 with a stop codon.
Molecular consequence: nonsense.
Genome position (GRCh38, 1-based): chr7:92,099,838, G>A. VCF-style: chr7-92099838-G-A. GRCh37 (hg19) VCF-style: chr7-91729152-G-A.
Other names: c.5510G>A, p.Trp1837Ter (NM_001379277.1); c.10841G>A, p.Trp3614Ter (NM_147185.3); short protein forms W3622*, W3614*, W1837*.
Identifiers: ClinVar variation 561262 (VCV000561262.4), dbSNP rs1563145763, ClinGen allele CA368158964.
Genomic context (GRCh38, chr7:92,099,838, plus strand): 5'-TGACTGAAGAGAAGAATGACTTAAGGAACATGGTTATGAAGCTGGAAGAGCAGATCAGGT[G>A]GTATCGACAGACAGGAGCTGGTAGAGATAATGTATGTCCATTTTTAGCATCTCCATATAT-3'